The following is an entry in ClinVar:

ClinVar aggregate classification (germline): Uncertain significance (1 of 4 stars; one submission).

Conditions:
Early-infantile DEE. Also called: Early infantile epileptic encephalopathy with suppression bursts; Early infantile epileptic encephalopathy; Ohtahara syndrome. Identifiers: Orphanet 1934, MedGen C0393706, MONDO:0800491.

Allele frequency attached by ClinVar (database versions not stated): TOPMed below 0.00001.

Submission:

Labcorp Genetics (formerly Invitae), Labcorp
Classification: Uncertain significance for Early-infantile DEE. Last evaluated: 2024-01-25. Review status: criteria provided, single submitter. Criteria: Invitae Variant Classification Sherloc (09022015). Collection method: clinical testing. Allele origin: germline.
Comment: This sequence change replaces phenylalanine, which is neutral and non-polar, with leucine, which is neutral and non-polar, at codon 178 of the SCN1A protein (p.Phe178Leu). This variant is not present in population databases (gnomAD no frequency). This missense change has been observed in individual(s) with clinical features of autosomal dominant SCN1A-related disease (Invitae). Advanced modeling of protein sequence and biophysical properties (such as structural, functional, and spatial information, amino acid conservation, physicochemical variation, residue mobility, and thermodynamic stability) performed at Invitae indicates that this missense variant is expected to disrupt SCN1A protein function with a positive predictive value of 95%. This variant disrupts the p.Phe178 amino acid residue in SCN1A. Other variant(s) that disrupt this residue have been observed in individuals with SCN1A-related conditions (PMID: 35072530; Invitae), which suggests that this may be a clinically significant amino acid residue. In summary, the available evidence is currently insufficient to determine the role of this variant in disease. Therefore, it has been classified as a Variant of Uncertain Significance.

Literature cited by the submitters: PubMed 35072530.

NM_001165963.4(SCN1A):c.532T>C (p.Phe178Leu)

Gene: SCN1A (sodium voltage-gated channel alpha subunit 1; minus strand). Cytogenetic location: 2q24.3.
Variant type: single nucleotide variant.
Coding change: c.532T>C on transcript NM_001165963.4 (MANE Select); coding-DNA position 532, T replaced by C.
Protein change: p.Phe178Leu; replaces phenylalanine 178 with leucine.
Molecular consequence: missense variant. On other transcripts: 5 prime UTR variant (1), non-coding transcript variant (1).
Genome position (GRCh38, 1-based): chr2:166,054,708, A>G on the plus strand (T>C on the coding strand, the complement: SCN1A is on the minus strand). VCF-style: chr2-166054708-A-G. GRCh37 (hg19) VCF-style: chr2-166911218-A-G.
Other names: c.-1894T>C (NM_001353961.2); c.532T>C, p.Phe178Leu (NM_006920.6, NM_001165964.3, NM_001202435.3 and 10 more transcripts); short protein forms F178L.
Identifiers: ClinVar variation 2711277 (VCV002711277.3), dbSNP rs1698952099, ClinGen allele CA349075523.
Genomic context (GRCh38, chr2:166,054,708, plus strand): 5'-TGACAGTGAAATCGAGCCAGTTCCATGGATCCCGAAGGAAAGTAAAATCTTCTAAACAGA[A>G]TCCCCTTGCAATAATTTTTATAAGTGATTCAAAAGTATATATTCCTGTGAAGGTGTATCT-3'
Protein context (NP_001159435.1, residues 168-188): ESLIKIIARG[Phe178Leu]CLEDFTFLRD